The following is an entry in ClinVar:

NM_004186.5(SEMA3F):c.2287G>A (p.Ala763Thr)

Gene: SEMA3F (semaphorin 3F; plus strand). Cytogenetic location: 3p21.31.
Variant type: single nucleotide variant.
Coding change: c.2287G>A on transcript NM_004186.5 (MANE Select); coding-DNA position 2287, G replaced by A.
Protein change: p.Ala763Thr; replaces alanine 763 with threonine.
Molecular consequence: missense variant.
Genome position (GRCh38, 1-based): chr3:50,188,044, G>A. VCF-style: chr3-50188044-G-A. GRCh37 (hg19) VCF-style: chr3-50225477-G-A.
Other names: c.1990G>A, p.Ala664Thr (NM_001318798.2); c.2194G>A, p.Ala732Thr (NM_001318800.2); short protein forms A732T, A763T, A664T.
Identifiers: ClinVar variation 5001822 (VCV005001822.1).

ClinVar aggregate classification (germline): Uncertain significance (1 of 4 stars; one submission).

Conditions:
SEMA3F-related disorder. Also called: SEMA3F-related condition.

Submission:

PreventionGenetics, part of Exact Sciences
Classification: Uncertain significance for SEMA3F-related condition. Last evaluated: 2024-11-20. Review status: criteria provided, single submitter. Criteria: ACMG Guidelines, 2015. Collection method: clinical testing. Allele origin: germline.
Comment: The SEMA3F c.2287G>A variant is predicted to result in the amino acid substitution p.Ala763Thr. To our knowledge, this variant has not been reported in the literature or in a large population database (gnomAD), indicating this variant is rare. At this time, the clinical significance of this variant is uncertain due to the absence of conclusive functional and genetic evidence.